The following is an entry in ClinVar:

ClinVar aggregate classification (germline): Pathogenic (0 of 4 stars; one submission).

Conditions:
Bietti crystalline corneoretinal dystrophy (BCD). Also called: Bietti Crystalline Dystrophy; BIETTI TAPETORETINAL DEGENERATION WITH MARGINAL CORNEAL DYSTROPHY. Identifiers: Orphanet 41751, MedGen C1859486, MONDO:0008865, OMIM 210370.

Submission:

GeneReviews
Classification: Pathogenic for Bietti Crystalline Dystrophy. Last evaluated: 2012-04-12. Review status: no assertion criteria provided. Collection method: curation. Allele origin: unknown.
ClinVar note: Converted during submission from pathologic to Pathogenic.

NM_207352.4(CYP4V2):c.971A>T (p.Asp324Val)

Gene: CYP4V2 (cytochrome P450 family 4 subfamily V member 2; plus strand). Cytogenetic location: 4q35.2.
Variant type: single nucleotide variant.
Coding change: c.971A>T on transcript NM_207352.4 (MANE Select); coding-DNA position 971, A replaced by T.
Protein change: p.Asp324Val; replaces aspartic acid 324 with valine.
Molecular consequence: missense variant.
Genome position (GRCh38, 1-based): chr4:186,201,326, A>T. VCF-style: chr4-186201326-A-T. GRCh37 (hg19) VCF-style: chr4-187122480-A-T.
Other names: c.1275A>T; short protein forms D324V.
Identifiers: ClinVar variation 39273 (VCV000039273.3), dbSNP rs199476195, ClinGen allele CA343743.
Genomic context (GRCh38, chr4:186,201,326, plus strand): 5'-TAAGTGTGACTGATGACGAAGGGAACAGGCTAAGTCATGAAGATATTCGAGAAGAAGTTG[A>T]CACCTTCATGTTTGAGGTATTGTATATTGTTAGGTTCAGATATCATTAAACAAATTTCAG-3'
Protein context (NP_997235.3, residues 314-334): LSHEDIREEV[Asp324Val]TFMFEGHDTT